The following is an entry in ClinVar:

NM_004752.4(GCM2):c.943A>G (p.Asn315Asp)

Gene: GCM2 (GCM transcription factor 2; minus strand). Cytogenetic location: 6p24.2.
Variant type: single nucleotide variant.
Coding change: c.943A>G on transcript NM_004752.4 (MANE Select); coding-DNA position 943, A replaced by G.
Protein change: p.Asn315Asp; replaces asparagine 315 with aspartic acid.
Molecular consequence: missense variant.
Genome position (GRCh38, 1-based): chr6:10,874,573, T>C on the plus strand (A>G on the coding strand, the complement: GCM2 is on the minus strand). VCF-style: chr6-10874573-T-C. GRCh37 (hg19) VCF-style: chr6-10874806-T-C.
Other names: short protein forms N315D.
Identifiers: ClinVar variation 712319 (VCV000712319.38), dbSNP rs114070356, ClinGen allele CA3633979.

ClinVar aggregate classification (germline): Benign/Likely benign. Review status: criteria provided, multiple submitters, no conflicts (2 of 4 stars). 5 submissions from 5 submitters: Benign (1); Likely benign (4). Last evaluated 2026-01-27.

Conditions:
Hyperparathyroidism 4 (HRPT4). Identifiers: MedGen C4479229, MONDO:0024570, OMIM 617343.
Hypoparathyroidism, familial isolated, 2. Identifiers: MedGen C5394383, MONDO:0020798, OMIM 618883.
Familial hypoparathyroidism. Also called: Familial isolated hypoparathyroidism. Identifiers: Orphanet 2238, MedGen C1832648, MONDO:0016390.

Allele frequency attached by ClinVar (database versions not stated): 1000 Genomes Project 30x 0.00234; 1000 Genomes Project 0.00240; TOPMed 0.00248; gnomAD 0.00258 and 0.00281; ESP Exome Variant Server 0.00331; ExAC 0.00349; gnomAD exomes 0.00352 and 0.00365.
gnomAD v4.1: 5,779 of 1,614,074 alleles (0.36%); highest among the groups gnomAD compares: Middle Eastern, 1.7%; 25 homozygotes.

Submissions (5):

Labcorp Genetics (formerly Invitae), Labcorp
Classification: Benign. Last evaluated: 2026-01-27. Review status: criteria provided, single submitter. Criteria: Invitae Variant Classification Sherloc (09022015). Collection method: clinical testing. Allele origin: germline.

CeGaT Center for Human Genetics Tuebingen
Classification: Likely benign. Last evaluated: 2025-10-01. Review status: criteria provided, single submitter. Criteria: CeGaT Center For Human Genetics Tuebingen Variant Classification Criteria Version 2. Collection method: clinical testing. Allele origin: germline. Affected: yes. Observed: 4 variant alleles.
Comment: GCM2: BP4, BS2

Fulgent Genetics
Classification: Likely benign for Hyperparathyroidism 4; Hypoparathyroidism, familial isolated, 2. Last evaluated: 2022-04-18. Review status: criteria provided, single submitter. Criteria: ACMG Guidelines, 2015. Collection method: clinical testing. Allele origin: unknown.

Illumina Laboratory Services, Illumina
Classification: Likely benign for Hypoparathyroidism, familial isolated 1. Last evaluated: 2018-01-13. Review status: criteria provided, single submitter. Criteria: ICSL Variant Classification Criteria 13 December 2019. Collection method: clinical testing. Allele origin: germline.
Comment: This variant was observed in the ICSL laboratory as part of a predisposition screen in an ostensibly healthy population. It had not been previously curated by ICSL or reported in the Human Gene Mutation Database (HGMD: prior to June 1st, 2018), and was therefore a candidate for classification through an automated scoring system. Utilizing variant allele frequency, disease prevalence and penetrance estimates, and inheritance mode, an automated score was calculated to assess if this variant is too frequent to cause the disease. Based on the score and internal cut-off values, a variant classified as likely benign is not then subjected to further curation. The score for this variant resulted in a classification of likely benign for this disease.

Breakthrough Genomics
Classification: Likely benign. Review status: criteria provided, single submitter. Criteria: ACMG Guidelines, 2015. Collection method: not provided. Allele origin: germline. Inheritance: Autosomal recessive inheritance. Affected: yes.